The following is an entry in ClinVar:

ClinVar aggregate classification (germline): Conflicting classifications of pathogenicity. Review status: criteria provided, conflicting classifications (1 of 4 stars). 5 submissions from 4 submitters: Uncertain significance (4); Benign (1). Last evaluated 2025-08-07.

Conditions:
Adams-Oliver syndrome 5 (AOS5). Identifiers: Orphanet 974, MedGen C4014970, MONDO:0014459, OMIM 616028.
Aortic valve disease 1 (AOVD1). Identifiers: MedGen C3887892, MONDO:0024523, OMIM 109730.
Familial thoracic aortic aneurysm and aortic dissection (TAAD). Also called: Thoracic aortic aneurysms and dissections. Identifiers: Orphanet 91387, MedGen C4707243, MONDO:0019625.

Allele frequency attached by ClinVar (database versions not stated): gnomAD 0.00002; ExAC 0.00003; gnomAD exomes 0.00003; TOPMed 0.00003.
gnomAD v4.1: 218 of 1,594,360 alleles (0.014%); highest among the groups gnomAD compares: Non-Finnish European, 0.018%; no homozygotes.

Submissions (5):

Labcorp Genetics (formerly Invitae), Labcorp
Classification: Benign for Adams-Oliver syndrome 5. Last evaluated: 2025-08-07. Review status: criteria provided, single submitter. Criteria: Invitae Variant Classification Sherloc (09022015). Collection method: clinical testing. Allele origin: germline.

Ambry Genetics
Classification: Uncertain significance for Familial thoracic aortic aneurysm and aortic dissection. Last evaluated: 2025-02-07. Review status: criteria provided, single submitter. Criteria: Ambry Variant Classification Scheme 2023. Collection method: clinical testing. Allele origin: germline.
Comment: The p.P2458T variant (also known as c.7372C>A), located in coding exon 34 of the NOTCH1 gene, results from a C to A substitution at nucleotide position 7372. The proline at codon 2458 is replaced by threonine, an amino acid with highly similar properties. This amino acid position is highly conserved in available vertebrate species. In addition, this alteration is predicted to be tolerated by in silico analysis. Based on the available evidence, the clinical significance of this variant remains unclear.

GeneDx
Classification: Uncertain significance. Last evaluated: 2023-06-09. Review status: criteria provided, single submitter. Criteria: GeneDx Variant Classification Process June 2021. Collection method: clinical testing. Allele origin: germline. Affected: yes.
Comment: Has not been previously published as pathogenic or benign to our knowledge; In silico analysis supports that this missense variant has a deleterious effect on protein structure/function

Genome-Nilou Lab
Classification: Uncertain significance for Adams-Oliver syndrome 5. Last evaluated: 2022-03-15. Review status: criteria provided, single submitter. Criteria: ACMG Guidelines, 2015. Collection method: clinical testing. Allele origin: germline. Affected: no.

Genome-Nilou Lab
Classification: Uncertain significance for Aortic valve disease 1. Last evaluated: 2022-03-15. Review status: criteria provided, single submitter. Criteria: ACMG Guidelines, 2015. Collection method: clinical testing. Allele origin: germline. Affected: no.

NM_017617.5(NOTCH1):c.7372C>A (p.Pro2458Thr)

Gene: NOTCH1 (notch receptor 1; minus strand). Cytogenetic location: 9q34.3.
Variant type: single nucleotide variant.
Coding change: c.7372C>A on transcript NM_017617.5 (MANE Select); coding-DNA position 7372, C replaced by A.
Protein change: p.Pro2458Thr; replaces proline 2458 with threonine.
Molecular consequence: missense variant.
Genome position (GRCh38, 1-based): chr9:136,496,367, G>T on the plus strand (C>A on the coding strand, the complement: NOTCH1 is on the minus strand). VCF-style: chr9-136496367-G-T. GRCh37 (hg19) VCF-style: chr9-139390819-G-T.
Other names: short protein forms P2458T.
Identifiers: ClinVar variation 1062730 (VCV001062730.15), dbSNP rs752802795, ClinGen allele CA5339687.
Genomic context (GRCh38, chr9:136,496,367, plus strand): 5'-CGGTCACGGGTGGGACCAGCGAGGATGGCAGCGACGTGGGCAGGGCGGGGCTCTCCTGGG[G>T]CAGAATAGTGTGCACCGCCAGGCTGCTGGGGCCCAGTGGCTGCACGTCTGCCTGGCTCGG-3'
Protein context (NP_060087.3, residues 2448-2468): PSSLAVHTIL[Pro2458Thr]QESPALPTSL